The following is an entry in ClinVar:

ClinVar aggregate classification (germline): Uncertain significance. Review status: criteria provided, multiple submitters, no conflicts (2 of 4 stars). 2 submissions from 2 submitters: Uncertain significance (2). Last evaluated 2025-05-21.

Conditions:
Inborn genetic diseases. Identifiers: MedGen C0950123, MeSH D030342.
Lethal multiple pterygium syndrome (LMPS). Identifiers: Orphanet 33108, MedGen C1854678, MONDO:0009668, OMIM 253290.

Allele frequency attached by ClinVar (database versions not stated): ExAC 0.00001; TOPMed 0.00001; gnomAD exomes 0.00002; gnomAD 0.00004.
gnomAD v4.1: 44 of 1,613,790 alleles (0.0027%); highest among the groups gnomAD compares: Middle Eastern, 0.017%; no homozygotes.

Submissions (2):

Labcorp Genetics (formerly Invitae), Labcorp
Classification: Uncertain significance for Lethal multiple pterygium syndrome. Last evaluated: 2025-05-21. Review status: criteria provided, single submitter. Criteria: Invitae Variant Classification Sherloc (09022015). Collection method: clinical testing. Allele origin: germline.
Comment: This sequence change replaces arginine, which is basic and polar, with histidine, which is basic and polar, at codon 26 of the CHRNA1 protein (p.Arg26His). This variant is present in population databases (rs777813669, gnomAD 0.01%). This variant has not been reported in the literature in individuals affected with CHRNA1-related conditions. ClinVar contains an entry for this variant (Variation ID: 661228). Invitae Evidence Modeling of protein sequence and biophysical properties (such as structural, functional, and spatial information, amino acid conservation, physicochemical variation, residue mobility, and thermodynamic stability) indicates that this missense variant is not expected to disrupt CHRNA1 protein function with a negative predictive value of 80%. In summary, the available evidence is currently insufficient to determine the role of this variant in disease. Therefore, it has been classified as a Variant of Uncertain Significance.

Ambry Genetics
Classification: Uncertain significance for Inborn genetic diseases. Last evaluated: 2023-01-24. Review status: criteria provided, single submitter. Criteria: Ambry Variant Classification Scheme 2023. Collection method: clinical testing. Allele origin: germline.

NM_000079.4(CHRNA1):c.77G>A (p.Arg26His)

Gene: CHRNA1 (cholinergic receptor nicotinic alpha 1 subunit; minus strand). Cytogenetic location: 2q31.1.
Variant type: single nucleotide variant.
Coding change: c.77G>A on transcript NM_000079.4 (MANE Select); coding-DNA position 77, G replaced by A.
Protein change: p.Arg26His; replaces arginine 26 with histidine.
Molecular consequence: missense variant.
Genome position (GRCh38, 1-based): chr2:174,759,600, C>T on the plus strand (G>A on the coding strand, the complement: CHRNA1 is on the minus strand). VCF-style: chr2-174759600-C-T. GRCh37 (hg19) VCF-style: chr2-175624328-C-T.
Other names: c.77G>A, p.Arg26His (NM_001039523.3); short protein forms R26H.
Identifiers: ClinVar variation 661228 (VCV000661228.10), dbSNP rs777813669, ClinGen allele CA1974703.